The following is an entry in ClinVar:

NM_001379180.1(ESRRB):c.1268C>T (p.Thr423Met)

Gene: ESRRB (estrogen related receptor beta; plus strand). Cytogenetic location: 14q24.3.
Variant type: single nucleotide variant.
Coding change: c.1268C>T on transcript NM_001379180.1 (MANE Select); coding-DNA position 1268, C replaced by T.
Protein change: p.Thr423Met; replaces threonine 423 with methionine.
Molecular consequence: missense variant.
Genome position (GRCh38, 1-based): chr14:76,498,361, C>T. VCF-style: chr14-76498361-C-T. GRCh37 (hg19) VCF-style: chr14-76964704-C-T.
Other names: c.1205C>T, p.Thr402Met (NM_004452.4); short protein forms T402M, T423M.
Identifiers: ClinVar variation 1305447 (VCV001305447.9), dbSNP rs1890516621, ClinGen allele CA390479681.

ClinVar aggregate classification (germline): Uncertain significance. Review status: criteria provided, multiple submitters, no conflicts (2 of 4 stars). 2 submissions from 2 submitters: Uncertain significance (2). Last evaluated 2021-01-16.

Allele frequency attached by ClinVar (database versions not stated): gnomAD exomes below 0.00001; gnomAD 0.00001; TOPMed 0.00001.
gnomAD v4.1: 3 of 1,612,408 alleles (0.00019%); highest among the groups gnomAD compares: Non-Finnish European, 0.00025%; no homozygotes.

Submissions (2):

Labcorp Genetics (formerly Invitae), Labcorp
Classification: Uncertain significance. Last evaluated: 2021-01-16. Review status: criteria provided, single submitter. Criteria: Invitae Variant Classification Sherloc (09022015). Collection method: clinical testing. Allele origin: germline.
Comment: In summary, the available evidence is currently insufficient to determine the role of this variant in disease. Therefore, it has been classified as a Variant of Uncertain Significance. Algorithms developed to predict the effect of missense changes on protein structure and function are either unavailable or do not agree on the potential impact of this missense change (SIFT: "Deleterious"; PolyPhen-2: "Probably Damaging"; Align-GVGD: "Class C0"). This variant has been observed in individual(s) with deafness (PMID: 30622556). This variant is not present in population databases (ExAC no frequency). This sequence change replaces threonine with methionine at codon 402 of the ESRRB protein (p.Thr402Met). The threonine residue is highly conserved and there is a moderate physicochemical difference between threonine and methionine.

GeneDx
Classification: Uncertain significance. Last evaluated: 2020-11-05. Review status: criteria provided, single submitter. Criteria: GeneDx Variant Classification Process June 2021. Collection method: clinical testing. Allele origin: germline. Affected: yes.
Comment: Not observe in large population cohorts (Lek et al., 2016); In silico analysis supports that this missense variant has a deleterious effect on protein structure/function; This variant is associated with the following publications: (PMID: 30622556)

Literature cited by the submitters: PubMed 30622556 (cited by Labcorp Genetics (formerly Invitae), Labcorp).